The following is an entry in ClinVar:

ClinVar aggregate classification (germline): Uncertain significance (1 of 4 stars; one submission).

gnomAD v4.1: 1 of 1,613,928 alleles (0.000062%); highest among the groups gnomAD compares: Non-Finnish European, 0.000085%; no homozygotes.

Submission:

Ambry Genetics
Classification: Uncertain significance. Last evaluated: 2024-12-02. Review status: criteria provided, single submitter. Criteria: Ambry Variant Classification Scheme 2023. Collection method: clinical testing. Allele origin: germline.
Comment: The p.D359G variant (also known as c.1076A>G), located in coding exon 5 of the PALLD gene, results from an A to G substitution at nucleotide position 1076. The aspartic acid at codon 359 is replaced by glycine, an amino acid with similar properties. This amino acid position is conserved. In addition, this alteration is predicted to be deleterious by in silico analysis. Based on the available evidence, the clinical significance of this variant remains unclear.

NM_001166108.2(PALLD):c.2588A>G (p.Asp863Gly)

Genes: CBR4 (carbonyl reductase 4; minus strand), PALLD (palladin, cytoskeletal associated protein; plus strand). Cytogenetic location: 4q32.3.
Variant type: single nucleotide variant.
Coding change: c.2588A>G on transcript NM_001166108.2 (MANE Select); coding-DNA position 2588, A replaced by G.
Protein change: p.Asp863Gly; replaces aspartic acid 863 with glycine.
Molecular consequence: missense variant.
Genome position (GRCh38, 1-based): chr4:168,903,872, A>G. VCF-style: chr4-168903872-A-G. GRCh37 (hg19) VCF-style: chr4-169825023-A-G.
Other names: c.1391A>G, p.Asp464Gly (NM_001166109.2); c.1076A>G, p.Asp359Gly (NM_001166110.2); c.416A>G, p.Asp139Gly (NM_001367567.1, NM_001367569.1); c.467A>G, p.Asp156Gly (NM_001367568.1, NM_001367570.1); c.2537A>G, p.Asp846Gly (NM_016081.4); short protein forms D156G, D464G, D359G, D846G, D139G, D863G.
Identifiers: ClinVar variation 3413715 (VCV003413715.1).